The following is an entry in ClinVar:

NM_001367624.2(ZNF469):c.8209G>A (p.Gly2737Ser)

Gene: ZNF469 (zinc finger protein 469; plus strand). Cytogenetic location: 16q24.2.
Variant type: single nucleotide variant.
Coding change: c.8209G>A on transcript NM_001367624.2 (MANE Select); coding-DNA position 8209, G replaced by A.
Protein change: p.Gly2737Ser; replaces glycine 2737 with serine.
Molecular consequence: missense variant.
Genome position (GRCh38, 1-based): chr16:88,435,679, G>A. VCF-style: chr16-88435679-G-A. GRCh37 (hg19) VCF-style: chr16-88502087-G-A.
Other names: NM_001127464.1:c.8125G>A; short protein forms G2737S.
Identifiers: ClinVar variation 2269444 (VCV002269444.3), dbSNP rs899877174, ClinGen allele CA286383760.

ClinVar aggregate classification (germline): Uncertain significance (1 of 4 stars; one submission).

Conditions:
Cardiovascular phenotype. Identifiers: MedGen CN230736.

Submission:

Ambry Genetics
Classification: Uncertain significance for Cardiovascular phenotype. Last evaluated: 2026-04-20. Review status: criteria provided, single submitter. Criteria: Ambry Variant Classification Scheme 2023. Collection method: clinical testing. Allele origin: germline.
Comment: The p.G2709S variant (also known as c.8125G>A), located in coding exon 2 of the ZNF469 gene, results from a G to A substitution at nucleotide position 8125. The glycine at codon 2709 is replaced by serine, an amino acid with similar properties. This amino acid position is conserved. In addition, this alteration is predicted to be tolerated by in silico analysis. Based on the available evidence, the clinical significance of this variant remains unclear.